The following is an entry in ClinVar:

ClinVar aggregate classification (germline): Likely pathogenic (0 of 4 stars; one submission).

Conditions:
MNX1-related disorder. Also called: MNX1-related condition.

Submission:

PreventionGenetics, part of Exact Sciences
Classification: Likely pathogenic for MNX1-related condition. Last evaluated: 2024-05-03. Review status: no assertion criteria provided. Collection method: clinical testing. Allele origin: germline.
Comment: The MNX1 c.767T>G variant is predicted to result in the amino acid substitution p.Leu256Arg. To our knowledge, this variant has not been reported in the literature or in a large population database, indicating this variant is rare. This variant affects a residue within the highly conserved homeobox domain of MNX1, which is a known hotspot for pathogenic missense variants associated with Currarino syndrome (Hagan et al. 2000. PubMed ID: 10749657). At PreventionGenetics, this variant has been found to co-segregate with Currarino syndrome in a multigenerational pedigree. Taken together, we interpret this variant as likely pathogenic.

NM_005515.4(MNX1):c.767T>G (p.Leu256Arg)

Genes: MNX1 (motor neuron and pancreas homeobox 1; minus strand), MNX1-AS2 (MNX1 antisense RNA 2; plus strand). Cytogenetic location: 7q36.3.
Variant type: single nucleotide variant.
Coding change: c.767T>G on transcript NM_005515.4 (MANE Select); coding-DNA position 767, T replaced by G.
Protein change: p.Leu256Arg; replaces leucine 256 with arginine.
Molecular consequence: missense variant.
Genome position (GRCh38, 1-based): chr7:157,006,564, A>C on the plus strand (T>G on the coding strand, the complement: MNX1 is on the minus strand). VCF-style: chr7-157006564-A-C. GRCh37 (hg19) VCF-style: chr7-156799258-A-C.
Other names: c.131T>G, p.Leu44Arg (NM_001165255.2); short protein forms L256R, L44R.
Identifiers: ClinVar variation 2631757 (VCV002631757.3), dbSNP rs2537773911, ClinGen allele CA370162632.